The following is an entry in ClinVar:

NM_000267.3(NF1):c.6085del

Gene: NF1 (neurofibromin 1; plus strand). Cytogenetic location: 17q11.2.
Variant type: Deletion.
Coding change: c.6085del on transcript NM_000267.3; coding-DNA position 6085, one base deleted (G; older notation c.6085delG).
Genome position (GRCh38, 1-based): chr17:31,336,635, G deleted; the last of 2 consecutive G bases (chr17:31,336,634-31,336,635); deleting either gives the same sequence. VCF-style (leftmost placement, unchanged base first): chr17-31336633-AG-A. GRCh37 (hg19) VCF-style: chr17-29663651-AG-A.
Identifiers: ClinVar variation 1810581 (VCV001810581.6), dbSNP rs2508747700, ClinGen allele CA499446168.

ClinVar aggregate classification (germline): Pathogenic. Review status: criteria provided, multiple submitters, no conflicts (2 of 4 stars). 2 submissions from 2 submitters: Pathogenic (2). Last evaluated 2023-01-04.

Conditions:
Neurofibromatosis, type 1 (NF1). Also called: NEUROFIBROMATOSIS, TYPE I, SOMATIC; VON RECKLINGHAUSEN DISEASE; Peripheral type neurofibromatosis; Neurofibromatosis, type I. Identifiers: Orphanet 636, MedGen C0027831, MONDO:0018975, OMIM 162200. Disease mechanism: loss of function.

Submissions (2):

GeneDx
Classification: Pathogenic. Last evaluated: 2023-01-04. Review status: criteria provided, single submitter. Criteria: GeneDx Variant Classification Process June 2021. Collection method: clinical testing. Allele origin: germline. Affected: yes.
Comment: Frameshift variant predicted to result in protein truncation or nonsense mediated decay in a gene for which loss-of-function is a known mechanism of disease; Not observed in large population cohorts (gnomAD); Has not been previously published as pathogenic or benign to our knowledge

Labcorp Genetics (formerly Invitae), Labcorp
Classification: Pathogenic for Neurofibromatosis, type 1. Last evaluated: 2022-08-09. Review status: criteria provided, single submitter. Criteria: Invitae Variant Classification Sherloc (09022015). Collection method: clinical testing. Allele origin: germline.
Comment: Algorithms developed to predict the effect of sequence changes on RNA splicing suggest that this variant may disrupt the consensus splice site. For these reasons, this variant has been classified as Pathogenic. This variant has not been reported in the literature in individuals affected with NF1-related conditions. This variant is not present in population databases (gnomAD no frequency). This sequence change creates a premature translational stop signal (p.Val2029Leufs*8) in the NF1 gene. It is expected to result in an absent or disrupted protein product. Loss-of-function variants in NF1 are known to be pathogenic (PMID: 10712197, 23913538).

Literature cited by the submitters: PubMed 10712197 (cited by Labcorp Genetics (formerly Invitae), Labcorp); PubMed 23913538 (cited by Labcorp Genetics (formerly Invitae), Labcorp).